The following is an entry in ClinVar:

NM_001162501.2(TNRC6B):c.4820A>C (p.Asn1607Thr)

Gene: TNRC6B (trinucleotide repeat containing adaptor 6B; plus strand). Cytogenetic location: 22q13.1.
Variant type: single nucleotide variant.
Coding change: c.4820A>C on transcript NM_001162501.2 (MANE Select); coding-DNA position 4820, A replaced by C.
Protein change: p.Asn1607Thr; replaces asparagine 1607 with threonine.
Molecular consequence: missense variant.
Genome position (GRCh38, 1-based): chr22:40,315,424, A>C. VCF-style: chr22-40315424-A-C. GRCh37 (hg19) VCF-style: chr22-40711428-A-C.
Other names: c.2408A>C, p.Asn803Thr (NM_001024843.2); c.4490A>C, p.Asn1497Thr (NM_015088.3); short protein forms N803T, N1497T, N1607T.
Identifiers: ClinVar variation 2386388 (VCV002386388.2), dbSNP rs2071244328, ClinGen allele CA411670176.

ClinVar aggregate classification (germline): Uncertain significance (1 of 4 stars; one submission).

Conditions:
Inborn genetic diseases. Identifiers: MedGen C0950123, MeSH D030342.

gnomAD v4.1: 2 of 1,613,884 alleles (0.00012%); highest among the groups gnomAD compares: Non-Finnish European, 0.00017%; no homozygotes.

Submission:

Ambry Genetics
Classification: Uncertain significance for Inborn genetic diseases. Last evaluated: 2021-05-18. Review status: criteria provided, single submitter. Criteria: Ambry Variant Classification Scheme 2023. Collection method: clinical testing. Allele origin: germline.
Comment: The c.4820A>C (p.N1607T) alteration is located in coding exon 20 of the TNRC6B gene. This alteration results from an A to C substitution at nucleotide position 4820, causing the asparagine (N) at amino acid position 1607 to be replaced by a threonine (T). Based on data from the Genome Aggregation Database (gnomAD), the TNRC6B c.4820A>C alteration was not observed, with coverage at this position. This amino acid position is well conserved in available vertebrate species. The p.N1607T alteration is predicted to be tolerated by in silico analysis. Based on insufficient or conflicting evidence, the clinical significance of this alteration remains unclear.